The following is an entry in ClinVar:

NM_000138.5(FBN1):c.660C>A (p.Pro220=)

Gene: FBN1 (fibrillin 1; minus strand). Cytogenetic location: 15q21.1.
Variant type: single nucleotide variant.
Coding change: c.660C>A on transcript NM_000138.5 (MANE Select); coding-DNA position 660, C replaced by A.
Protein change: p.Pro220=; no amino-acid change (proline 220 retained).
Molecular consequence: synonymous variant.
Genome position (GRCh38, 1-based): chr15:48,537,687, G>T on the plus strand (C>A on the coding strand, the complement: FBN1 is on the minus strand). VCF-style: chr15-48537687-G-T. GRCh37 (hg19) VCF-style: chr15-48829884-G-T.
Other names: c.660C>A, p.Pro220= (NM_001406716.1, NM_001406717.1).
Identifiers: ClinVar variation 3071883 (VCV003071883.3), dbSNP rs920409035, ClinGen allele CA270013485.

ClinVar aggregate classification (germline): Conflicting classifications of pathogenicity. Review status: criteria provided, conflicting classifications (1 of 4 stars). 3 submissions from 3 submitters: Uncertain significance (1); Likely benign (2). Last evaluated 2025-07-13.

Conditions:
Marfan syndrome (MFS). Also called: MARFAN SYNDROME, TYPE I; Marfan syndrome type 1; Marfan's syndrome; Marfan syndrome, classic; FBN1-Related Marfan Syndrome. Identifiers: Orphanet 284963, Orphanet 558, MedGen C0024796, MONDO:0007947, OMIM 154700.
Familial thoracic aortic aneurysm and aortic dissection (TAAD). Also called: Thoracic aortic aneurysms and dissections. Identifiers: Orphanet 91387, MedGen C4707243, MONDO:0019625.

Submissions (3):

Labcorp Genetics (formerly Invitae), Labcorp
Classification: Likely benign for Marfan syndrome; Familial thoracic aortic aneurysm and aortic dissection. Last evaluated: 2025-07-13. Review status: criteria provided, single submitter. Criteria: Invitae Variant Classification Sherloc (09022015). Collection method: clinical testing. Allele origin: germline.

Color Diagnostics, LLC DBA Color Health
Classification: Likely benign for Familial thoracic aortic aneurysm and aortic dissection. Last evaluated: 2025-06-09. Review status: criteria provided, single submitter. Criteria: ACMG Guidelines, 2015. Collection method: clinical testing. Allele origin: germline.

All of Us Research Program, National Institutes of Health
Classification: Uncertain significance for Marfan syndrome. Last evaluated: 2023-06-26. Review status: criteria provided, single submitter. Criteria: ACMG Guidelines, 2015. Collection method: clinical testing. Allele origin: germline. Inheritance: Autosomal dominant inheritance. Observed: 1 variant allele, 1 heterozygote.
Comment: This variant is located in the FBN1 protein. To our knowledge, functional studies have not been reported for this variant. This variant has not been reported in individuals affected with FBN1-related disorders in the literature. This variant has not been identified in the general population by the Genome Aggregation Database (gnomAD). The available evidence is insufficient to determine the role of this variant in disease conclusively. Therefore, this variant is classified as a Variant of Uncertain Significance.

This study involves interpretation of variants in research participants for the purpose of population health screening. Participant phenotype was not available at the time of variant classification. Additional details can be found in publication PMID: 35346344, PMCID: PMC8962531